The following is an entry in ClinVar:

ClinVar aggregate classification (germline): Uncertain significance (1 of 4 stars; one submission).

Conditions:
Hereditary cancer-predisposing syndrome. Also called: Neoplastic Syndromes, Hereditary; Tumor predisposition; Hereditary neoplastic syndrome; Hereditary Cancer Syndrome. Identifiers: Orphanet 140162, MedGen C0027672, MeSH D009386, MONDO:0015356.

Submission:

Ambry Genetics
Classification: Uncertain significance for Hereditary cancer-predisposing syndrome. Last evaluated: 2023-01-29. Review status: criteria provided, single submitter. Criteria: Ambry Variant Classification Scheme 2023. Collection method: clinical testing. Allele origin: germline.
Comment: The p.E572D variant (also known as c.1716A>T), located in coding exon 14 of the POT1 gene, results from an A to T substitution at nucleotide position 1716. The glutamic acid at codon 572 is replaced by aspartic acid, an amino acid with highly similar properties. This amino acid position is conserved. In addition, this alteration is predicted to be tolerated by in silico analysis. Since supporting evidence is limited at this time, the clinical significance of this alteration remains unclear.

NM_015450.3(POT1):c.1716A>T (p.Glu572Asp)

Gene: POT1 (protection of telomeres 1; minus strand). Cytogenetic location: 7q31.33.
Variant type: single nucleotide variant.
Coding change: c.1716A>T on transcript NM_015450.3 (MANE Select); coding-DNA position 1716, A replaced by T.
Protein change: p.Glu572Asp; replaces glutamic acid 572 with aspartic acid.
Molecular consequence: missense variant. On other transcripts: non-coding transcript variant (3).
Genome position (GRCh38, 1-based): chr7:124,825,328, T>A on the plus strand (A>T on the coding strand, the complement: POT1 is on the minus strand). VCF-style: chr7-124825328-T-A. GRCh37 (hg19) VCF-style: chr7-124465382-T-A.
Other names: c.1323A>T, p.Glu441Asp (NM_001042594.2); short protein forms E572D, E441D.
Identifiers: ClinVar variation 2450553 (VCV002450553.2), dbSNP rs2485338430, ClinGen allele CA369062460.